The following is an entry in ClinVar:

ClinVar aggregate classification (germline): Uncertain significance. Review status: criteria provided, multiple submitters, no conflicts (2 of 4 stars). 3 submissions from 3 submitters: Uncertain significance (3). Last evaluated 2023-03-04.

Conditions:
Costello syndrome (CSTLO). Also called: HRAS-Related Costello Syndrome; FCS SYNDROME; FACIOCUTANEOSKELETAL SYNDROME. Identifiers: Orphanet 3071, MedGen C0587248, MONDO:0009026, OMIM 218040.
Linear nevus sebaceous syndrome. Also called: Nevus, Sebaceous of Jadassohn; SCHIMMELPENNING-FEUERSTEIN-MIMS SYNDROME, SOMATIC MOSAIC; Sebaceous nevus syndrome and hemimegalencephaly; Linear sebaceous nevus sequence; Linear nevus sebaceous; JADASSOHN NEVUS PHAKOMATOSIS. Identifiers: Orphanet 2612, MedGen C4552097, MONDO:0008097, OMIM 163200, HP:0010817.
Malignant tumor of urinary bladder. Also called: Urinary bladder cancer; Bladder cancer; Urinary Bladder Neoplasms. Identifiers: MedGen C0005684, MONDO:0001187, OMIM 109800.
Thyroid cancer, nonmedullary, 2 (NMTC2). Also called: THYROID CARCINOMA, FOLLICULAR; Thyroid carcinoma, follicular, somatic; THYROID CANCER, NONMEDULLARY, 2, SUSCEPTIBILITY TO. Identifiers: MedGen C4225426, MONDO:0008566, OMIM 188470.
Large congenital melanocytic nevus (CMNS). Also called: Giant hairy nevus; Bathing trunk nevus; Congenital giant pigmented nevus; PIGMENTED MOLES; Giant congenital nevus; MELANOCYTIC NEVUS SYNDROME, CONGENITAL, SOMATIC. Identifiers: Orphanet 626, MedGen C1842036, MONDO:0044792, OMIM 137550, HP:0005600.
Epidermal nevus. Also called: Nevus, epidermal, somatic; NEVUS, KERATINOCYTIC, NONEPIDERMOLYTIC. Identifiers: Orphanet 79414, MedGen C0334082, MONDO:0008093, OMIM 162900, HP:0010816.

Allele frequency attached by ClinVar (database versions not stated): ExAC 0.00001.
gnomAD v4.1: 5 of 1,613,062 alleles (0.00031%); highest among the groups gnomAD compares: Non-Finnish European, 0.00042%; no homozygotes.

Submissions (3):

Labcorp Genetics (formerly Invitae), Labcorp
Classification: Uncertain significance for Costello syndrome. Last evaluated: 2023-03-04. Review status: criteria provided, single submitter. Criteria: Invitae Variant Classification Sherloc (09022015). Collection method: clinical testing. Allele origin: germline.
Comment: This sequence change replaces arginine, which is basic and polar, with cysteine, which is neutral and slightly polar, at codon 161 of the HRAS protein (p.Arg161Cys). This variant is not present in population databases (gnomAD no frequency). This variant has not been reported in the literature in individuals affected with HRAS-related conditions. ClinVar contains an entry for this variant (Variation ID: 644041). Advanced modeling of protein sequence and biophysical properties (such as structural, functional, and spatial information, amino acid conservation, physicochemical variation, residue mobility, and thermodynamic stability) performed at Invitae indicates that this missense variant is not expected to disrupt HRAS protein function. In summary, the available evidence is currently insufficient to determine the role of this variant in disease. Therefore, it has been classified as a Variant of Uncertain Significance.

Fulgent Genetics
Classification: Uncertain significance for Malignant tumor of urinary bladder; Large congenital melanocytic nevus; Epidermal nevus; Linear nevus sebaceous syndrome; Thyroid cancer, nonmedullary, 2; Costello syndrome. Last evaluated: 2021-09-16. Review status: criteria provided, single submitter. Criteria: ACMG Guidelines, 2015. Collection method: clinical testing. Allele origin: unknown.

GeneDx
Classification: Uncertain significance. Last evaluated: 2020-07-02. Review status: criteria provided, single submitter. Criteria: GeneDx Variant Classification Process June 2021. Collection method: clinical testing. Allele origin: germline. Affected: yes.
Comment: Missense variants in this gene are often considered pathogenic (Stenson et al., 2014); In silico analysis supports that this missense variant has a deleterious effect on protein structure/function; Has not been previously published as pathogenic or benign to our knowledge

NM_005343.4(HRAS):c.481C>T (p.Arg161Cys)

Genes: HRAS (HRas proto-oncogene, GTPase; minus strand), LRRC56 (leucine rich repeat containing 56; plus strand). Cytogenetic location: 11p15.5.
Variant type: single nucleotide variant.
Coding change: c.481C>T on transcript NM_005343.4 (MANE Select); coding-DNA position 481, C replaced by T.
Protein change: p.Arg161Cys; replaces arginine 161 with cysteine.
Molecular consequence: missense variant. On other transcripts: 3 prime UTR variant (1).
Genome position (GRCh38, 1-based): chr11:532,725, G>A on the plus strand (C>T on the coding strand, the complement: HRAS is on the minus strand). VCF-style: chr11-532725-G-A. GRCh37 (hg19) VCF-style: chr11-532725-G-A.
Other names: c.481C>T, p.Arg161Cys (NM_001130442.3); c.244C>T, p.Arg82Cys (NM_001318054.2); c.*50C>T (NM_176795.5); short protein forms R161C, R82C.
Identifiers: ClinVar variation 644041 (VCV000644041.11), dbSNP rs758956556, ClinGen allele CA5779222.